The following is an entry in ClinVar:

NM_002516.4(NOVA2):c.697A>G (p.Ser233Gly)

Gene: NOVA2 (NOVA alternative splicing regulator 2; minus strand). Cytogenetic location: 19q13.32.
Variant type: single nucleotide variant.
Coding change: c.697A>G on transcript NM_002516.4 (MANE Select); coding-DNA position 697, A replaced by G.
Protein change: p.Ser233Gly; replaces serine 233 with glycine.
Molecular consequence: missense variant.
Genome position (GRCh38, 1-based): chr19:45,940,645, T>C on the plus strand (A>G on the coding strand, the complement: NOVA2 is on the minus strand). VCF-style: chr19-45940645-T-C. GRCh37 (hg19) VCF-style: chr19-46443903-T-C.
Other names: short protein forms S233G.
Identifiers: ClinVar variation 3392823 (VCV003392823.1).
Genomic context (GRCh38, chr19:45,940,645, plus strand): 5'-GCAGGCCGGAGGCGGCGGCGGCCGACGCTGCGGCCGCGGCTGGCAGCACATCCGCGGGGC[T>C]GGCGTACGGAGAGCCGGTGGGGTTGGAGTTGGCCACGGGGCCTGCCACGTTGGCGTAGCT-3'
Protein context (NP_002507.1, residues 223-243): NSNPTGSPYA[Ser233Gly]PADVLPAAAA

ClinVar aggregate classification (germline): Uncertain significance (1 of 4 stars; one submission).

Submission:

GeneDx
Classification: Uncertain significance. Last evaluated: 2024-06-25. Review status: criteria provided, single submitter. Criteria: GeneDx Variant Classification Process June 2021. Collection method: clinical testing. Allele origin: germline. Affected: yes.
Comment: Not observed at significant frequency in large population cohorts (gnomAD); In silico analysis indicates that this missense variant does not alter protein structure/function; Has not been previously published as pathogenic or benign to our knowledge